The following is an entry in ClinVar:

ClinVar aggregate classification (germline): Benign. Review status: criteria provided, multiple submitters, no conflicts (2 of 4 stars). 4 submissions from 4 submitters: Benign (4). Last evaluated 2021-06-19.

Conditions:
Disorders of Intracellular Cobalamin Metabolism. Identifiers: MedGen CN043592.
Methylcobalamin deficiency type cblE (HMAE). Also called: VITAMIN B12-RESPONSIVE HOMOCYSTINURIA, cblE TYPE; HOMOCYSTINURIA-MEGALOBLASTIC ANEMIA, cblE TYPE; HOMOCYSTINURIA-MEGALOBLASTIC ANEMIA, cblE COMPLEMENTATION TYPE. Identifiers: Orphanet 2169, Orphanet 622, MedGen C1856057, MONDO:0009354, OMIM 236270.

Allele frequency attached by ClinVar (database versions not stated): gnomAD 0.16355; 1000 Genomes Project 0.22903; 1000 Genomes Project 30x 0.23829; ESP Exome Variant Server 0.17623; TOPMed 0.20477.
gnomAD v4.1: 207,719 of 1,613,220 alleles (13%); highest among the groups gnomAD compares: Admixed American, 32%; 17,342 homozygotes.

Submissions (4):

Pars Genome Lab
Classification: Benign for Methylcobalamin deficiency type cblE. Last evaluated: 2021-06-19. Review status: criteria provided, single submitter. Criteria: ACMG Guidelines, 2015. Collection method: clinical testing. Allele origin: germline. Affected: no.

Illumina Laboratory Services, Illumina
Classification: Benign for Disorders of Intracellular Cobalamin Metabolism. Last evaluated: 2018-01-12. Review status: criteria provided, single submitter. Criteria: ICSL Variant Classification Criteria 13 December 2019. Collection method: clinical testing. Allele origin: germline.
Comment: This variant was observed in the ICSL laboratory as part of a predisposition screen in an ostensibly healthy population. It had not been previously curated by ICSL or reported in the Human Gene Mutation Database (HGMD: prior to June 1st, 2018), and was therefore a candidate for classification through an automated scoring system. Utilizing variant allele frequency, disease prevalence and penetrance estimates, and inheritance mode, an automated score was calculated to assess if this variant is too frequent to cause the disease. Based on the score and internal cut-off values, a variant classified as benign is not then subjected to further curation. The score for this variant resulted in a classification of benign for this disease.

GeneDx
Classification: Benign. Last evaluated: 2013-05-29. Review status: criteria provided, single submitter. Criteria: GeneDx Variant Classification (06012015). Collection method: clinical testing. Allele origin: germline. Affected: yes.
Comment: This variant is considered likely benign or benign based on one or more of the following criteria: it is a conservative change, it occurs at a poorly conserved position in the protein, it is predicted to be benign by multiple in silico algorithms, and/or has population frequency not consistent with disease.

Breakthrough Genomics
Classification: Benign. Review status: criteria provided, single submitter. Criteria: ACMG Guidelines, 2015. Collection method: not provided. Allele origin: germline. Inheritance: Autosomal recessive inheritance. Affected: yes.

NM_002454.2(MTRR):c.-119T>C

Genes: MTRR (5-methyltetrahydrofolate-homocysteine methyltransferase reductase; plus strand), LOC129993631 (ATAC-STARR-seq lymphoblastoid silent region 15904; plus strand). Cytogenetic location: 5p15.31.
Variant type: single nucleotide variant.
Coding change: c.-119T>C on transcript NM_002454.2; 119 bases upstream of the start codon, T replaced by C.
Genome position (GRCh38, 1-based): chr5:7,869,122, T>C. VCF-style: chr5-7869122-T-C. GRCh37 (hg19) VCF-style: chr5-7869235-T-C.
Identifiers: ClinVar variation 138303 (VCV000138303.10), dbSNP rs72716536, ClinGen allele CA292243.